The following is an entry in ClinVar:

ClinVar aggregate classification (germline): Uncertain significance. Review status: criteria provided, multiple submitters, no conflicts (2 of 4 stars). 3 submissions from 3 submitters: Uncertain significance (3). Last evaluated 2025-10-22.

Allele frequency attached by ClinVar (database versions not stated): gnomAD exomes 0.00002 and 0.00004; ExAC 0.00004; gnomAD 0.00007 and 0.00008; TOPMed 0.00009.
gnomAD v4.1: 61 of 1,596,734 alleles (0.0038%); highest among the groups gnomAD compares: African/African-American, 0.019%; no homozygotes.

Submissions (3):

Labcorp Genetics (formerly Invitae), Labcorp
Classification: Uncertain significance. Last evaluated: 2025-10-22. Review status: criteria provided, single submitter. Criteria: Invitae Variant Classification Sherloc (09022015). Collection method: clinical testing. Allele origin: germline.
Comment: This sequence change replaces arginine, which is basic and polar, with glutamine, which is neutral and polar, at codon 1337 of the RUSC2 protein (p.Arg1337Gln). This variant is present in population databases (rs761638781, gnomAD 0.01%). This variant has not been reported in the literature in individuals affected with RUSC2-related conditions. ClinVar contains an entry for this variant (Variation ID: 1518171). An algorithm developed to predict the effect of missense changes on protein structure and function outputs the following: PolyPhen-2: "Benign". The glutamine amino acid residue is found in multiple mammalian species, which suggests that this missense change does not adversely affect protein function. In summary, the available evidence is currently insufficient to determine the role of this variant in disease. Therefore, it has been classified as a Variant of Uncertain Significance.

Ambry Genetics
Classification: Uncertain significance. Last evaluated: 2024-02-27. Review status: criteria provided, single submitter. Criteria: Ambry Variant Classification Scheme 2023. Collection method: clinical testing. Allele origin: germline.

Breakthrough Genomics
Classification: Uncertain significance. Review status: criteria provided, single submitter. Criteria: ACMG Guidelines, 2015. Collection method: not provided. Allele origin: germline. Inheritance: Autosomal recessive inheritance. Affected: yes.

NM_014806.5(RUSC2):c.4010G>A (p.Arg1337Gln)

Gene: RUSC2 (RUN and SH3 domain containing 2; plus strand). Cytogenetic location: 9p13.3.
Variant type: single nucleotide variant.
Coding change: c.4010G>A on transcript NM_014806.5 (MANE Select); coding-DNA position 4010, G replaced by A.
Protein change: p.Arg1337Gln; replaces arginine 1337 with glutamine.
Molecular consequence: missense variant. On other transcripts: non-coding transcript variant (1).
Genome position (GRCh38, 1-based): chr9:35,560,650, G>A. VCF-style: chr9-35560650-G-A. GRCh37 (hg19) VCF-style: chr9-35560647-G-A.
Other names: c.4010G>A, p.Arg1337Gln (NM_001135999.2); c.1376G>A, p.Arg459Gln (NM_001330740.2); c.4010G>A (NM_001135999.1); short protein forms R1337Q, R459Q.
Identifiers: ClinVar variation 1518171 (VCV001518171.6), dbSNP rs761638781, ClinGen allele CA5044284.